The following is an entry in ClinVar:

ClinVar aggregate classification (germline): Likely pathogenic (1 of 4 stars; one submission).

Conditions:
FBN1-related disorder. Also called: FBN1-related disorders.

Submission:

Laboratorio de Genetica e Diagnostico Molecular, Hospital Israelita Albert Einstein
Classification: Likely pathogenic for FBN1-related disease. Last evaluated: 2020-07-20. Review status: criteria provided, single submitter. Criteria: ACMG Guidelines, 2015. Collection method: clinical testing. Allele origin: germline.
Comment: ACMG classification criteria: PM2, PM5, PP2, PP3

NM_000138.5(FBN1):c.6883T>A (p.Cys2295Ser)

Gene: FBN1 (fibrillin 1; minus strand). Cytogenetic location: 15q21.1.
Variant type: single nucleotide variant.
Coding change: c.6883T>A on transcript NM_000138.5 (MANE Select); coding-DNA position 6883, T replaced by A.
Protein change: p.Cys2295Ser; replaces cysteine 2295 with serine.
Molecular consequence: missense variant.
Genome position (GRCh38, 1-based): chr15:48,428,460, A>T on the plus strand (T>A on the coding strand, the complement: FBN1 is on the minus strand). VCF-style: chr15-48428460-A-T. GRCh37 (hg19) VCF-style: chr15-48720657-A-T.
Other names: short protein forms C2295S.
Identifiers: ClinVar variation 2672295 (VCV002672295.1), dbSNP rs1555394644, ClinGen allele CA392330915.